The following is an entry in ClinVar:

ClinVar aggregate classification (germline): Benign (0 of 4 stars; one submission).

Conditions:
MUC16-related disorder. Also called: MUC16-related condition.

Allele frequency attached by ClinVar (database versions not stated): 1000 Genomes Project 30x 0.05637.

Submission:

PreventionGenetics, part of Exact Sciences
Classification: Benign for MUC16-related condition. Last evaluated: 2019-02-26. Review status: no assertion criteria provided. Collection method: clinical testing. Allele origin: germline.
Comment: This variant is classified as benign based on ACMG/AMP sequence variant interpretation guidelines (Richards et al. 2015 PMID: 25741868, with internal and published modifications).

NM_001401501.2(MUC16):c.42719G>A (p.Arg14240His)

Gene: MUC16 (mucin 16, cell surface associated; minus strand). Cytogenetic location: 19p13.2.
Variant type: single nucleotide variant.
Coding change: c.42719G>A on transcript NM_001401501.2 (MANE Select); coding-DNA position 42719, G replaced by A.
Protein change: p.Arg14240His; replaces arginine 14240 with histidine.
Molecular consequence: missense variant.
Genome position (GRCh38, 1-based): chr19:8,891,947, C>T on the plus strand (G>A on the coding strand, the complement: MUC16 is on the minus strand). VCF-style: chr19-8891947-C-T. GRCh37 (hg19) VCF-style: chr19-9002623-C-T.
Other names: c.43145G>A, p.Arg14382His (NM_001414686.1); c.42599G>A, p.Arg14200His (NM_001414687.1); c.40193G>A, p.Arg13398His (NM_024690.2); short protein forms R13398H, R14200H, R14240H, R14382H.
Identifiers: ClinVar variation 3056536 (VCV003056536.2), dbSNP rs764581423, ClinGen allele CA9163518.